The following is an entry in ClinVar:

NM_017534.6(MYH2):c.4585A>G (p.Ile1529Val)

Genes: MYH2 (myosin heavy chain 2; minus strand), MYHAS (myosin heavy chain gene cluster antisense RNA; plus strand), LOC126862500 (BRD4-independent group 4 enhancer GRCh37_chr17:10427829-10429028; plus strand). Cytogenetic location: 17p13.1.
Variant type: single nucleotide variant.
Coding change: c.4585A>G on transcript NM_017534.6 (MANE Select); coding-DNA position 4585, A replaced by G.
Protein change: p.Ile1529Val; replaces isoleucine 1529 with valine.
Molecular consequence: missense variant.
Genome position (GRCh38, 1-based): chr17:10,525,301, T>C on the plus strand (A>G on the coding strand, the complement: MYH2 is on the minus strand). VCF-style: chr17-10525301-T-C. GRCh37 (hg19) VCF-style: chr17-10428618-T-C.
Other names: c.4585A>G, p.Ile1529Val (NM_001100112.2); short protein forms I1529V.
Identifiers: ClinVar variation 940934 (VCV000940934.7), dbSNP rs2073336915, ClinGen allele CA398124989.
Genomic context (GRCh38, chr17:10,525,301, plus strand): 5'-CAGCCTGAAGTTCACACTTTTCTTGTTCCACTTGTTTCTTTATTTTCTCCAGTTCATGGA[T>C]ACGTTTCCCTCCTTCTGCAATCTGTTCCGTGAGGTCAGAAATCTCCTCTGTTGTTTGAGT-3'
Protein context (NP_060004.3, residues 1519-1539): TEQIAEGGKR[Ile1529Val]HELEKIKKQV

ClinVar aggregate classification (germline): Uncertain significance (1 of 4 stars; one submission).

Conditions:
Myopathy, proximal, and ophthalmoplegia (CMYO6). Also called: MYOPATHY WITH CONGENITAL JOINT CONTRACTURES, OPHTHALMOPLEGIA, AND RIMMED VACUOLES; INCLUSION BODY MYOPATHY 3, AUTOSOMAL DOMINANT; CONGENITAL MYOPATHY 6 WITH OPHTHALMOPLEGIA. Identifiers: Orphanet 363677, Orphanet 79091, MedGen C1854106, MONDO:0011577, OMIM 605637.

Allele frequency attached by ClinVar (database versions not stated): gnomAD exomes below 0.00001.
gnomAD v4.1: 2 of 1,614,182 alleles (0.00012%); highest among the groups gnomAD compares: Non-Finnish European, 0.00017%; no homozygotes.

Submission:

Labcorp Genetics (formerly Invitae), Labcorp
Classification: Uncertain significance for Myopathy, proximal, and ophthalmoplegia. Last evaluated: 2019-10-25. Review status: criteria provided, single submitter. Criteria: Invitae Variant Classification Sherloc (09022015). Collection method: clinical testing. Allele origin: germline.
Comment: Algorithms developed to predict the effect of missense changes on protein structure and function (SIFT, PolyPhen-2, Align-GVGD) all suggest that this variant is likely to be tolerated, but these predictions have not been confirmed by published functional studies and their clinical significance is uncertain. This variant has not been reported in the literature in individuals with MYH2-related conditions. This variant is not present in population databases (ExAC no frequency). This sequence change replaces isoleucine with valine at codon 1529 of the MYH2 protein (p.Ile1529Val). The isoleucine residue is highly conserved and there is a small physicochemical difference between isoleucine and valine. In summary, the available evidence is currently insufficient to determine the role of this variant in disease. Therefore, it has been classified as a Variant of Uncertain Significance.